The following is an entry in ClinVar:

NM_006343.3(MERTK):c.1870G>C (p.Asp624His)

Gene: MERTK (MER proto-oncogene, tyrosine kinase; plus strand). Cytogenetic location: 2q13.
Variant type: single nucleotide variant.
Coding change: c.1870G>C on transcript NM_006343.3 (MANE Select); coding-DNA position 1870, G replaced by C.
Protein change: p.Asp624His; replaces aspartic acid 624 with histidine.
Molecular consequence: missense variant.
Genome position (GRCh38, 1-based): chr2:112,008,385, G>C. VCF-style: chr2-112008385-G-C. GRCh37 (hg19) VCF-style: chr2-112765962-G-C.
Other names: short protein forms D624H.
Identifiers: ClinVar variation 1027348 (VCV001027348.8), dbSNP rs1677028116, ClinGen allele CA348233065.

ClinVar aggregate classification (germline): Uncertain significance (1 of 4 stars; one submission).

Allele frequency attached by ClinVar (database versions not stated): gnomAD exomes below 0.00001.
gnomAD v4.1: 2 of 1,612,606 alleles (0.00012%); highest among the groups gnomAD compares: Non-Finnish European, 0.00017%; no homozygotes.

Submission:

Labcorp Genetics (formerly Invitae), Labcorp
Classification: Uncertain significance. Last evaluated: 2020-10-01. Review status: criteria provided, single submitter. Criteria: Invitae Variant Classification Sherloc (09022015). Collection method: clinical testing. Allele origin: germline.
Comment: This variant is not present in population databases (ExAC no frequency). In summary, the available evidence is currently insufficient to determine the role of this variant in disease. Therefore, it has been classified as a Variant of Uncertain Significance. Algorithms developed to predict the effect of missense changes on protein structure and function are either unavailable or do not agree on the potential impact of this missense change (SIFT: "Deleterious"; PolyPhen-2: "Possibly Damaging"; Align-GVGD: "Class C0"). This variant has not been reported in the literature in individuals with MERTK-related conditions. This sequence change replaces aspartic acid with histidine at codon 624 of the MERTK protein (p.Asp624His). The aspartic acid residue is highly conserved and there is a moderate physicochemical difference between aspartic acid and histidine.